The following is an entry in ClinVar:

ClinVar aggregate classification (germline): Uncertain significance (1 of 4 stars; one submission).

Allele frequency attached by ClinVar (database versions not stated): gnomAD exomes 0.00003; TOPMed 0.00004; gnomAD 0.00005; ExAC 0.00008; ESP Exome Variant Server 0.00008; 1000 Genomes Project 30x 0.00016; 1000 Genomes Project 0.00020.
gnomAD v4.1: 56 of 1,613,840 alleles (0.0035%); highest among the groups gnomAD compares: Middle Eastern, 0.016%; no homozygotes.

Submission:

Labcorp Genetics (formerly Invitae), Labcorp
Classification: Uncertain significance. Last evaluated: 2025-04-29. Review status: criteria provided, single submitter. Criteria: Invitae Variant Classification Sherloc (09022015). Collection method: clinical testing. Allele origin: germline.
Comment: This sequence change replaces serine, which is neutral and polar, with leucine, which is neutral and non-polar, at codon 212 of the IL17RD protein (p.Ser212Leu). This variant is present in population databases (rs144498929, gnomAD 0.009%). This variant has not been reported in the literature in individuals affected with IL17RD-related conditions. ClinVar contains an entry for this variant (Variation ID: 2082487). Invitae Evidence Modeling of protein sequence and biophysical properties (such as structural, functional, and spatial information, amino acid conservation, physicochemical variation, residue mobility, and thermodynamic stability) indicates that this missense variant is not expected to disrupt IL17RD protein function with a negative predictive value of 80%. In summary, the available evidence is currently insufficient to determine the role of this variant in disease. Therefore, it has been classified as a Variant of Uncertain Significance.

NM_017563.5(IL17RD):c.635C>T (p.Ser212Leu)

Gene: IL17RD (interleukin 17 receptor D; minus strand). Cytogenetic location: 3p14.3.
Variant type: single nucleotide variant.
Coding change: c.635C>T on transcript NM_017563.5 (MANE Select); coding-DNA position 635, C replaced by T.
Protein change: p.Ser212Leu; replaces serine 212 with leucine.
Molecular consequence: missense variant.
Genome position (GRCh38, 1-based): chr3:57,105,969, G>A on the plus strand (C>T on the coding strand, the complement: IL17RD is on the minus strand). VCF-style: chr3-57105969-G-A. GRCh37 (hg19) VCF-style: chr3-57139997-G-A.
Other names: c.635C>T, p.Ser212Leu (NM_001080973.1); c.203C>T, p.Ser68Leu (NM_001318864.2); short protein forms S212L, S68L.
Identifiers: ClinVar variation 2082487 (VCV002082487.4), dbSNP rs144498929, ClinGen allele CA2462982.
Genomic context (GRCh38, chr3:57,105,969, plus strand): 5'-AGATAGAAGAAACGGAAGCCGAAGTTGTGCGGTGCATGGTCGAAGGACACCTGCATGTCC[G>A]AGCCATGCTGGCTGATGTTCAGGTTCCGAGGCTTCCAGACTGGAAGAAGGTAGGACCCAG-3'
Protein context (NP_060033.3, residues 202-222): PRNLNISQHG[Ser212Leu]DMQVSFDHAP